The following is an entry in ClinVar:

ClinVar aggregate classification (germline): Uncertain significance. Review status: criteria provided, multiple submitters, no conflicts (2 of 4 stars). 2 submissions from 2 submitters: Uncertain significance (2). Last evaluated 2026-07-01.

Conditions:
Inborn genetic diseases. Identifiers: MedGen C0950123, MeSH D030342.

Submissions (2):

Ambry Genetics
Classification: Uncertain significance for Inborn genetic diseases. Last evaluated: 2026-07-01. Review status: criteria provided, single submitter. Criteria: Ambry Variant Classification Scheme 2023. Collection method: clinical testing. Allele origin: germline.
Comment: The p.T1207A variant (also known as c.3619A>G), located in coding exon 1 of the SAMD9L gene, results from an A to G substitution at nucleotide position 3619. The threonine at codon 1207 is replaced by alanine, an amino acid with similar properties. This amino acid position is conserved. In addition, this alteration is predicted to be tolerated by in silico analysis. Based on the available evidence, the clinical significance of this variant remains unclear.

Labcorp Genetics (formerly Invitae), Labcorp
Classification: Uncertain significance. Last evaluated: 2024-04-25. Review status: criteria provided, single submitter. Criteria: Invitae Variant Classification Sherloc (09022015). Collection method: clinical testing. Allele origin: germline.
Comment: This sequence change replaces threonine, which is neutral and polar, with alanine, which is neutral and non-polar, at codon 1207 of the SAMD9L protein (p.Thr1207Ala). This variant is not present in population databases (gnomAD no frequency). This variant has not been reported in the literature in individuals affected with SAMD9L-related conditions. Advanced modeling of protein sequence and biophysical properties (such as structural, functional, and spatial information, amino acid conservation, physicochemical variation, residue mobility, and thermodynamic stability) performed at Invitae indicates that this missense variant is not expected to disrupt SAMD9L protein function with a negative predictive value of 80%. In summary, the available evidence is currently insufficient to determine the role of this variant in disease. Therefore, it has been classified as a Variant of Uncertain Significance.

NM_152703.5(SAMD9L):c.3619A>G (p.Thr1207Ala)

Gene: SAMD9L (sterile alpha motif domain containing 9 like; minus strand). Cytogenetic location: 7q21.2.
Variant type: single nucleotide variant.
Coding change: c.3619A>G on transcript NM_152703.5 (MANE Select); coding-DNA position 3619, A replaced by G.
Protein change: p.Thr1207Ala; replaces threonine 1207 with alanine.
Molecular consequence: missense variant.
Genome position (GRCh38, 1-based): chr7:93,132,353, T>C on the plus strand (A>G on the coding strand, the complement: SAMD9L is on the minus strand). VCF-style: chr7-93132353-T-C. GRCh37 (hg19) VCF-style: chr7-92761666-T-C.
Other names: c.3619A>G, p.Thr1207Ala (NM_001303496.3, NM_001303497.3, NM_001303498.3 and 5 more transcripts); c.3619A>G (NM_152703.2); short protein forms T1207A.
Identifiers: ClinVar variation 3651043 (VCV003651043.3).
Genomic context (GRCh38, chr7:93,132,353, plus strand): 5'-GTTTTTTGGATAATTCATTTTCTTTGTGGAAAAAGGGAGTGAGCTGAAGAATCTGGATAG[T>C]GTAAAGACCAACTTCTATTTCACCCAAGAAACAAGCTGTGTTATACATGTCATATCGTCT-3'
Protein context (NP_689916.2, residues 1197-1217): FLGEIEVGLY[Thr1207Ala]IQILQLTPFF